The following is an entry in ClinVar:

NM_000051.4(ATM):c.8418+681A>G

Genes: C11orf65 (chromosome 11 open reading frame 65; minus strand), ATM (ATM serine/threonine kinase; plus strand). Cytogenetic location: 11q22.3.
Variant type: single nucleotide variant.
Coding change: c.8418+681A>G on transcript NM_000051.4 (MANE Select); 681 bases into the intron after coding-DNA position 8418, A replaced by G.
Molecular consequence: intron variant.
Genome position (GRCh38, 1-based): chr11:108,344,052, A>G. VCF-style: chr11-108344052-A-G. GRCh37 (hg19) VCF-style: chr11-108214779-A-G.
Other names: c.8418+681A>G (NM_000051.3, NM_001351834.2); c.641-34981T>C (NM_001330368.2); c.695-8760T>C (NM_001351110.2).
Identifiers: ClinVar variation 2884046 (VCV002884046.6), dbSNP rs748635985, ClinGen allele CA228365486.

ClinVar aggregate classification (germline): Conflicting classifications of pathogenicity. Review status: criteria provided, conflicting classifications (1 of 4 stars). 4 submissions from 4 submitters: Likely pathogenic (1); Uncertain significance (3). Last evaluated 2026-10-01.

Conditions:
Familial cancer of breast. Also called: BREAST CANCER, FAMILIAL; Hereditary breast cancer; hereditary breast carcinoma. Identifiers: Orphanet 227535, MedGen C0346153, MONDO:0016419, OMIM 114480. Disease mechanism: loss of function.
Ataxia-telangiectasia syndrome (AT). Also called: ATAXIA-TELANGIECTASIA, COMPLEMENTATION GROUP A; ATAXIA-TELANGIECTASIA, FRESNO VARIANT; Ataxia-telangiectasia; Ataxia-telangiectasia, complementation group E; LOUIS-BAR SYNDROME; Cerebello-oculocutaneous telangiectasia. Identifiers: Orphanet 100, MedGen C0004135, MONDO:0008840, OMIM 208900.

Submissions (4):

St. Jude Molecular Pathology, St. Jude Children's Research Hospital
Classification: Uncertain significance for Ataxia-telangiectasia syndrome. Last evaluated: 2026-10-01. Review status: criteria provided, single submitter. Criteria: St. Jude Assertion Criteria 2020. Collection method: clinical testing. Allele origin: germline.
Comment: The ATM c.8418+681A>G intronic change results in an A to G substitution at the +681 position of int ron 57 of the ATM gene. Algorithms that predict the impact of sequence changes on splicing indicate that this change may impact splicing. This variant has been reported in an individual with variant ataxia-telangiectasia (PMID: 30549301). This variant is absent in gnomAD v2.1.1. In summary, the evidence currently available is insufficient to determine the clinical significance of this variant. It has therefore been classified as of uncertain significance.

Labcorp Genetics (formerly Invitae), Labcorp
Classification: Uncertain significance for Ataxia-telangiectasia syndrome. Last evaluated: 2023-12-08. Review status: criteria provided, single submitter. Criteria: Invitae Variant Classification Sherloc (09022015). Collection method: clinical testing. Allele origin: germline.
Comment: This sequence change falls in intron 57 of the ATM gene. It does not directly change the encoded amino acid sequence of the ATM protein. This variant is not present in population databases (gnomAD no frequency). This variant has been observed in individual(s) with ATM-related conditions (PMID: 30549301). In at least one individual the data is consistent with being in trans (on the opposite chromosome) from a pathogenic variant. Algorithms developed to predict the effect of sequence changes on RNA splicing suggest that this variant may create or strengthen a splice site. In summary, the available evidence is currently insufficient to determine the role of this variant in disease. Therefore, it has been classified as a Variant of Uncertain Significance.

Baylor Genetics
Classification: Uncertain significance for Familial cancer of breast. Last evaluated: 2023-11-20. Review status: criteria provided, single submitter. Criteria: ACMG Guidelines, 2015. Collection method: clinical testing. Allele origin: unknown.

Department of Pathology and Laboratory Medicine, Sinai Health System
Classification: Likely pathogenic for Familial cancer of breast; Ataxia-telangiectasia syndrome. Review status: criteria provided, single submitter. Criteria: ACMG Guidelines, 2015. Collection method: clinical testing. Allele origin: germline.

Literature cited by the submitters: PubMed 30549301 (cited by Labcorp Genetics (formerly Invitae), Labcorp).